The following is an entry in ClinVar:

NC_000012.11:g.(?_133225505)_(133252113_?)del

Gene: POLE (DNA polymerase epsilon, catalytic subunit; minus strand). Cytogenetic location: 12q24.33.
Variant type: Deletion.
Identifiers: ClinVar variation 2425537 (VCV002425537.4).

ClinVar aggregate classification (germline): Pathogenic (1 of 4 stars; one submission).

Submission:

Labcorp Genetics (formerly Invitae), Labcorp
Classification: Pathogenic. Last evaluated: 2022-05-12. Review status: criteria provided, single submitter. Criteria: Invitae Variant Classification Sherloc (09022015). Collection method: clinical testing. Allele origin: germline.
Comment: For these reasons, this variant has been classified as Pathogenic. This variant has not been reported in the literature in individuals affected with POLE-related conditions. This variant is a gross deletion of the genomic region encompassing exon(s) 12-32 of the POLE gene. This deletion is out-of-frame, and is expected to create a premature termination codon and result in an absent or disrupted protein product. Loss-of-function variants in POLE are known to be pathogenic (PMID: 23230001, 25948378, 30503519).

Literature cited by the submitters: PubMed 23230001; PubMed 25948378; PubMed 30503519.